The following is an entry in ClinVar:

NM_001042432.2(CLN3):c.678-2A>G

Gene: CLN3 (CLN3 lysosomal/endosomal transmembrane protein, battenin; minus strand). Cytogenetic location: 16p12.1.
Variant type: single nucleotide variant.
Coding change: c.678-2A>G on transcript NM_001042432.2 (MANE Select); the canonical splice acceptor site of the intron before coding-DNA position 678, A replaced by G.
Molecular consequence: splice acceptor variant.
Genome position (GRCh38, 1-based): chr16:28,484,120, T>C on the plus strand (A>G on the coding strand, the complement: CLN3 is on the minus strand). VCF-style: chr16-28484120-T-C. GRCh37 (hg19) VCF-style: chr16-28495441-T-C.
Other names: c.444-2A>G (NM_001286109.2); c.606-2A>G (NM_001286104.2); c.378-2A>G (NM_001286105.2); c.516-2A>G (NM_001286110.2); c.678-2A>G (NM_000086.2).
Identifiers: ClinVar variation 1012398 (VCV001012398.39), dbSNP rs2046162412, ClinGen allele CA395344982.

ClinVar aggregate classification (germline): Pathogenic/Likely pathogenic. Review status: criteria provided, multiple submitters, no conflicts (2 of 4 stars). 2 submissions from 2 submitters: Pathogenic (1); Likely pathogenic (1). Last evaluated 2024-09-04.

Conditions:
Juvenile neuronal ceroid lipofuscinosis. Also called: Batten Disease. Identifiers: Orphanet 79264, MedGen CN293564, MONDO:0019262.

Submissions (2):

Natera, Inc.
Classification: Likely pathogenic for Batten Disease. Last evaluated: 2024-09-04. Review status: criteria provided, single submitter. Criteria: Natera Variant Classification Schema (03/2026). Collection method: clinical testing. Allele origin: germline.
Comment: The c.678-2A>G variant in CLN3 is a canonical splice acceptor site variant predicted to affect pre-mRNA splicing, which may result in an abnormal transcript and altered protein product. This variant is expected to result in nonsense mediated decay, truncation, or a dysfunctional protein product. This variant is rare in the general population with a frequency below the threshold expected for the associated phenotype(s). Given the available evidence, this variant is classified as Likely Pathogenic.

CeGaT Center for Human Genetics Tuebingen
Classification: Pathogenic. Last evaluated: 2020-10-01. Review status: criteria provided, single submitter. Criteria: CeGaT Center For Human Genetics Tuebingen Variant Classification Criteria Version 2. Collection method: clinical testing. Allele origin: germline. Affected: yes. Observed: 1 variant allele.